The following is an entry in ClinVar:

NM_001184880.2(PCDH19):c.601C>A (p.Gln201Lys)

Gene: PCDH19 (protocadherin 19; minus strand). Cytogenetic location: Xq22.1.
Variant type: single nucleotide variant.
Coding change: c.601C>A on transcript NM_001184880.2 (MANE Select); coding-DNA position 601, C replaced by A.
Protein change: p.Gln201Lys; replaces glutamine 201 with lysine.
Molecular consequence: missense variant.
Genome position (GRCh38, 1-based): chrX:100,407,997, G>T on the plus strand (C>A on the coding strand, the complement: PCDH19 is on the minus strand). VCF-style: chrX-100407997-G-T. GRCh37 (hg19) VCF-style: chrX-99662995-G-T.
Other names: c.601C>A, p.Gln201Lys (NM_001105243.2, NM_020766.3); short protein forms Q201K.
Identifiers: ClinVar variation 1417620 (VCV001417620.6), dbSNP rs2147541289, ClinGen allele CA414009101.
Genomic context (GRCh38, chrX:100,407,997, plus strand): 5'-TGCCCAGGCGCGGCGGGTCGCCACCGTCTAGCGCAGTGATTCGGAAGCTGTAGTGCGACT[G>T]CGTCTCGCGGTCCAGGCTCTTTTCCACCACGAGTTCGGCAAAGCGGGAGCCGTCGCCGCG-3'
Protein context (NP_001171809.1, residues 191-211): VVEKSLDRET[Gln201Lys]SHYSFRITAL

ClinVar aggregate classification (germline): Uncertain significance (1 of 4 stars; one submission).

Conditions:
Developmental and epileptic encephalopathy, 9 (DEE9). Also called: Early infantile epileptic encephalopathy 9; EPILEPSY, FEMALE-RESTRICTED, WITH MENTAL RETARDATION; PCDH19-Related X-Linked Female-Limited Epilepsy with Mental Retardation; JUBERG-HELLMAN SYNDROME. Identifiers: Orphanet 101039, Orphanet 2076, MedGen C1848137, MONDO:0010246, OMIM 300088. Disease mechanism: loss of function.

gnomAD v4.1: 1 of 1,208,007 alleles (0.000083%); highest among the groups gnomAD compares: Non-Finnish European, 0.00011%; no homozygotes.

Submission:

Labcorp Genetics (formerly Invitae), Labcorp
Classification: Uncertain significance for Developmental and epileptic encephalopathy, 9. Last evaluated: 2025-03-27. Review status: criteria provided, single submitter. Criteria: Invitae Variant Classification Sherloc (09022015). Collection method: clinical testing. Allele origin: germline.
Comment: This sequence change replaces glutamine, which is neutral and polar, with lysine, which is basic and polar, at codon 201 of the PCDH19 protein (p.Gln201Lys). This variant is not present in population databases (gnomAD no frequency). This variant has not been reported in the literature in individuals affected with PCDH19-related conditions. ClinVar contains an entry for this variant (Variation ID: 1417620). Invitae Evidence Modeling of protein sequence and biophysical properties (such as structural, functional, and spatial information, amino acid conservation, physicochemical variation, residue mobility, and thermodynamic stability) indicates that this missense variant is not expected to disrupt PCDH19 protein function with a negative predictive value of 95%. In summary, the available evidence is currently insufficient to determine the role of this variant in disease. Therefore, it has been classified as a Variant of Uncertain Significance.